The following is an entry in ClinVar:

ClinVar aggregate classification (germline): Uncertain significance. Review status: criteria provided, multiple submitters, no conflicts (2 of 4 stars). 3 submissions from 3 submitters: Uncertain significance (3). Last evaluated 2025-05-14.

Conditions:
Inborn genetic diseases. Identifiers: MedGen C0950123, MeSH D030342.

Allele frequency attached by ClinVar (database versions not stated): TOPMed 0.00002.
gnomAD v4.1: 14 of 1,614,020 alleles (0.00087%); highest among the groups gnomAD compares: African/African-American, 0.0027%; no homozygotes.

Submissions (3):

Ambry Genetics
Classification: Uncertain significance for Inborn genetic diseases. Last evaluated: 2025-05-14. Review status: criteria provided, single submitter. Criteria: Ambry Variant Classification Scheme 2023. Collection method: clinical testing. Allele origin: germline.

Labcorp Genetics (formerly Invitae), Labcorp
Classification: Uncertain significance. Last evaluated: 2024-11-05. Review status: criteria provided, single submitter. Criteria: Invitae Variant Classification Sherloc (09022015). Collection method: clinical testing. Allele origin: germline.
Comment: This sequence change replaces threonine, which is neutral and polar, with methionine, which is neutral and non-polar, at codon 1378 of the MYH3 protein (p.Thr1378Met). This variant is present in population databases (no rsID available, gnomAD 0.008%). This variant has not been reported in the literature in individuals affected with MYH3-related conditions. ClinVar contains an entry for this variant (Variation ID: 1966409). Invitae Evidence Modeling of protein sequence and biophysical properties (such as structural, functional, and spatial information, amino acid conservation, physicochemical variation, residue mobility, and thermodynamic stability) indicates that this missense variant is not expected to disrupt MYH3 protein function with a negative predictive value of 95%. In summary, the available evidence is currently insufficient to determine the role of this variant in disease. Therefore, it has been classified as a Variant of Uncertain Significance.

CeGaT Center for Human Genetics Tuebingen
Classification: Uncertain significance. Last evaluated: 2022-11-01. Review status: criteria provided, single submitter. Criteria: CeGaT Center For Human Genetics Tuebingen Variant Classification Criteria Version 2. Collection method: clinical testing. Allele origin: germline. Affected: yes. Observed: 1 variant allele.
Comment: MYH3: PP3

NM_002470.4(MYH3):c.4133C>T (p.Thr1378Met)

Gene: MYH3 (myosin heavy chain 3; minus strand). Cytogenetic location: 17p13.1.
Variant type: single nucleotide variant.
Coding change: c.4133C>T on transcript NM_002470.4 (MANE Select); coding-DNA position 4133, C replaced by T.
Protein change: p.Thr1378Met; replaces threonine 1378 with methionine.
Molecular consequence: missense variant.
Genome position (GRCh38, 1-based): chr17:10,635,406, G>A on the plus strand (C>T on the coding strand, the complement: MYH3 is on the minus strand). VCF-style: chr17-10635406-G-A. GRCh37 (hg19) VCF-style: chr17-10538723-G-A.
Other names: c.4133C>T (NM_002470.3); short protein forms T1378M.
Identifiers: ClinVar variation 1966409 (VCV001966409.29), dbSNP rs1360973287, ClinGen allele CA398144633.
Genomic context (GRCh38, chr17:10,635,406, plus strand): 5'-AAAGCAAACAGAGCTGCGCACTTGGCCTCCTCCAGCTCTTCTGTGCGCTGGATGGCGTCC[G>A]TCTCGTATTTGGTTCTCCACTGGGCAACCTCACTATTGGCCTTGGACAGCGCCCTCTGCA-3'
Protein context (NP_002461.2, residues 1368-1388): EVAQWRTKYE[Thr1378Met]DAIQRTEELE